The following is an entry in ClinVar:

ClinVar aggregate classification (germline): Uncertain significance (1 of 4 stars; one submission).

Conditions:
Hereditary spastic paraplegia 11. Also called: Spastic paraplegia, mental retardation and thin corpus callosum; Nakamura Osame syndrome; Autosomal recessive hereditary spastic paraplegia, mental impairment, and thin corpus callosum; SPASTIC PARAPLEGIA, AUTOSOMAL RECESSIVE, COMPLICATED, WITH THIN CORPUS CALLOSUM; SPASTIC PARAPLEGIA, AUTOSOMAL RECESSIVE, WITH MENTAL IMPAIRMENT AND THIN CORPUS CALLOSUM; Spastic Paraplegia 11. Identifiers: Orphanet 2822, MedGen C1858479, MONDO:0011445, OMIM 604360.

Allele frequency attached by ClinVar (database versions not stated): gnomAD exomes below 0.00001; TOPMed below 0.00001.
gnomAD v4.1: 7 of 1,603,462 alleles (0.00044%); highest among the groups gnomAD compares: Middle Eastern, 0.017%; no homozygotes.

Submission:

Labcorp Genetics (formerly Invitae), Labcorp
Classification: Uncertain significance for Hereditary spastic paraplegia 11. Last evaluated: 2022-06-09. Review status: criteria provided, single submitter. Criteria: Invitae Variant Classification Sherloc (09022015). Collection method: clinical testing. Allele origin: germline.
Comment: This sequence change replaces histidine, which is basic and polar, with glutamine, which is neutral and polar, at codon 570 of the SPG11 protein (p.His570Gln). This variant is present in population databases (no rsID available, gnomAD 0.0009%). This variant has not been reported in the literature in individuals affected with SPG11-related conditions. Algorithms developed to predict the effect of missense changes on protein structure and function (SIFT, PolyPhen-2, Align-GVGD) all suggest that this variant is likely to be tolerated. In summary, the available evidence is currently insufficient to determine the role of this variant in disease. Therefore, it has been classified as a Variant of Uncertain Significance.

NM_025137.4(SPG11):c.1710C>G (p.His570Gln)

Gene: SPG11 (SPG11 vesicle trafficking associated, spatacsin; minus strand). Cytogenetic location: 15q21.1.
Variant type: single nucleotide variant.
Coding change: c.1710C>G on transcript NM_025137.4 (MANE Select); coding-DNA position 1710, C replaced by G.
Protein change: p.His570Gln; replaces histidine 570 with glutamine.
Molecular consequence: missense variant.
Genome position (GRCh38, 1-based): chr15:44,633,530, G>C on the plus strand (C>G on the coding strand, the complement: SPG11 is on the minus strand). VCF-style: chr15-44633530-G-C. GRCh37 (hg19) VCF-style: chr15-44925728-G-C.
Other names: c.1710C>G, p.His570Gln (NM_001160227.2, NM_001411132.1); short protein forms H570Q.
Identifiers: ClinVar variation 2160843 (VCV002160843.1), dbSNP rs1040331008, ClinGen allele CA270084312.